The following is an entry in ClinVar:

ClinVar aggregate classification (germline): Uncertain significance (1 of 4 stars; one submission).

Conditions:
Gorlin syndrome. Also called: Nevoid Basal Cell Carcinoma Syndrome; Basal cell nevus syndrome. Identifiers: Orphanet 377, MedGen C0004779, MONDO:0007187.

Allele frequency attached by ClinVar (database versions not stated): gnomAD exomes below 0.00001.

Submission:

Labcorp Genetics (formerly Invitae), Labcorp
Classification: Uncertain significance for Gorlin syndrome. Last evaluated: 2023-06-16. Review status: criteria provided, single submitter. Criteria: Invitae Variant Classification Sherloc (09022015). Collection method: clinical testing. Allele origin: germline.
Comment: This sequence change replaces glutamic acid, which is acidic and polar, with lysine, which is basic and polar, at codon 267 of the PTCH1 protein (p.Glu267Lys). This variant is not present in population databases (gnomAD no frequency). This variant has not been reported in the literature in individuals affected with PTCH1-related conditions. Advanced modeling of protein sequence and biophysical properties (such as structural, functional, and spatial information, amino acid conservation, physicochemical variation, residue mobility, and thermodynamic stability) performed at Invitae indicates that this missense variant is not expected to disrupt PTCH1 protein function. In summary, the available evidence is currently insufficient to determine the role of this variant in disease. Therefore, it has been classified as a Variant of Uncertain Significance.

NM_000264.5(PTCH1):c.799G>A (p.Glu267Lys)

Gene: PTCH1 (patched 1; minus strand). Cytogenetic location: 9q22.32.
Variant type: single nucleotide variant.
Coding change: c.799G>A on transcript NM_000264.5 (MANE Select); coding-DNA position 799, G replaced by A.
Protein change: p.Glu267Lys; replaces glutamic acid 267 with lysine.
Molecular consequence: missense variant. On other transcripts: non-coding transcript variant (1).
Genome position (GRCh38, 1-based): chr9:95,480,536, C>T on the plus strand (G>A on the coding strand, the complement: PTCH1 is on the minus strand). VCF-style: chr9-95480536-C-T. GRCh37 (hg19) VCF-style: chr9-98242818-C-T.
Other names: c.601G>A, p.Glu201Lys (NM_001083602.3); c.796G>A, p.Glu266Lys (NM_001083603.3); c.346G>A, p.Glu116Lys (NM_001083604.3, NM_001083605.3, NM_001083606.3 and 1 more transcripts); c.799G>A, p.Glu267Lys (NM_001354918.2); short protein forms E267K, E116K, E201K, E266K.
Identifiers: ClinVar variation 2717252 (VCV002717252.3), dbSNP rs2118424742, ClinGen allele CA374114314.